The following is an entry in ClinVar:

NM_005548.3(KARS1):c.336T>C (p.Tyr112=)

Gene: KARS1 (lysyl-tRNA synthetase 1; minus strand). Cytogenetic location: 16q23.1.
Variant type: single nucleotide variant.
Coding change: c.336T>C on transcript NM_005548.3 (MANE Select); coding-DNA position 336, T replaced by C.
Protein change: p.Tyr112=; no amino-acid change (tyrosine 112 retained).
Molecular consequence: synonymous variant. On other transcripts: 5 prime UTR variant (1).
Genome position (GRCh38, 1-based): chr16:75,640,236, A>G on the plus strand (T>C on the coding strand, the complement: KARS1 is on the minus strand). VCF-style: chr16-75640236-A-G. GRCh37 (hg19) VCF-style: chr16-75674134-A-G.
Other names: c.420T>C, p.Tyr140= (NM_001130089.2); c.-133T>C (NM_001378148.1).
Identifiers: ClinVar variation 2975707 (VCV002975707.4), dbSNP rs760134437, ClinGen allele CA8177668.

ClinVar aggregate classification (germline): Likely benign. Review status: criteria provided, multiple submitters, no conflicts (2 of 4 stars). 2 submissions from 2 submitters: Likely benign (2). Last evaluated 2026-02-20.

Conditions:
KARS1-related disorder. Also called: KARS1-related disorders.

Allele frequency attached by ClinVar (database versions not stated): gnomAD 0.00001; ExAC 0.00002; gnomAD exomes 0.00002.
gnomAD v4.1: 26 of 1,613,542 alleles (0.0016%); highest among the groups gnomAD compares: Middle Eastern, 0.016%; no homozygotes.

Submissions (2):

PreventionGenetics, part of Exact Sciences
Classification: Likely benign for KARS1-related condition. Last evaluated: 2026-02-20. Review status: criteria provided, single submitter. Criteria: ACMG Guidelines, 2015. Collection method: clinical testing. Allele origin: germline.
Comment: This variant is classified as likely benign based on ACMG/AMP sequence variant interpretation guidelines (Richards et al. 2015 PMID: 25741868, with internal and published modifications).

Labcorp Genetics (formerly Invitae), Labcorp
Classification: Likely benign. Last evaluated: 2024-03-04. Review status: criteria provided, single submitter. Criteria: Invitae Variant Classification Sherloc (09022015). Collection method: clinical testing. Allele origin: germline.